The following is an entry in ClinVar:

ClinVar aggregate classification (germline): Uncertain significance (1 of 4 stars; one submission).

Conditions:
Retinoblastoma (RB1). Also called: RETINOBLASTOMA, SOMATIC. Identifiers: Orphanet 790, MedGen C0035335, MeSH D012175, MONDO:0008380, OMIM 180200, HP:0009919. Disease mechanism: loss of function. Inheritance: Both sporadic and heritable forms are tested..

Submission:

Labcorp Genetics (formerly Invitae), Labcorp
Classification: Uncertain significance for Retinoblastoma. Last evaluated: 2018-05-11. Review status: criteria provided, single submitter. Criteria: Invitae Variant Classification Sherloc (09022015). Collection method: clinical testing. Allele origin: germline.
Comment: In summary, the available evidence is currently insufficient to determine the role of this variant in disease. Therefore, it has been classified as a Variant of Uncertain Significance. Algorithms developed to predict the effect of missense changes on protein structure and function do not agree on the potential impact of this missense change (SIFT: "Deleterious"; PolyPhen-2: "Possibly Damaging"; Align-GVGD: "Class C0"). This variant has not been reported in the literature in individuals with RB1-related disease. This variant is not present in population databases (ExAC no frequency). This sequence change replaces glycine with arginine at codon 893 of the RB1 protein (p.Gly893Arg). The glycine residue is moderately conserved and there is a moderate physicochemical difference between glycine and arginine.

NM_000321.3(RB1):c.2677G>A (p.Gly893Arg)

Gene: RB1 (RB transcriptional corepressor 1; plus strand). Cytogenetic location: 13q14.2.
Variant type: single nucleotide variant.
Coding change: c.2677G>A on transcript NM_000321.3 (MANE Select); coding-DNA position 2677, G replaced by A.
Protein change: p.Gly893Arg; replaces glycine 893 with arginine.
Molecular consequence: missense variant.
Genome position (GRCh38, 1-based): chr13:48,477,368, G>A. VCF-style: chr13-48477368-G-A. GRCh37 (hg19) VCF-style: chr13-49051504-G-A.
Other names: short protein forms G893R.
Identifiers: ClinVar variation 571412 (VCV000571412.8), dbSNP rs1566241168, ClinGen allele CA388157786.